The following is an entry in ClinVar:

NM_000138.5(FBN1):c.6313+20T>C

Gene: FBN1 (fibrillin 1; minus strand). Cytogenetic location: 15q21.1.
Variant type: single nucleotide variant.
Coding change: c.6313+20T>C on transcript NM_000138.5 (MANE Select); 20 bases into the intron after coding-DNA position 6313, T replaced by C.
Molecular consequence: intron variant.
Genome position (GRCh38, 1-based): chr15:48,437,748, A>G on the plus strand (T>C on the coding strand, the complement: FBN1 is on the minus strand). VCF-style: chr15-48437748-A-G. GRCh37 (hg19) VCF-style: chr15-48729945-A-G.
Other names: c.6313+20T>C (NM_001406716.1).
Identifiers: ClinVar variation 2941129 (VCV002941129.3), dbSNP rs2505438334, ClinGen allele CA2740096626.

ClinVar aggregate classification (germline): Uncertain significance (1 of 4 stars; one submission).

Conditions:
Marfan syndrome (MFS). Also called: MARFAN SYNDROME, TYPE I; Marfan syndrome type 1; Marfan's syndrome; Marfan syndrome, classic; FBN1-Related Marfan Syndrome. Identifiers: Orphanet 284963, Orphanet 558, MedGen C0024796, MONDO:0007947, OMIM 154700.
Familial thoracic aortic aneurysm and aortic dissection (TAAD). Also called: Thoracic aortic aneurysms and dissections. Identifiers: Orphanet 91387, MedGen C4707243, MONDO:0019625.

Submission:

Labcorp Genetics (formerly Invitae), Labcorp
Classification: Uncertain significance for Marfan syndrome; Familial thoracic aortic aneurysm and aortic dissection. Last evaluated: 2022-10-30. Review status: criteria provided, single submitter. Criteria: Invitae Variant Classification Sherloc (09022015). Collection method: clinical testing. Allele origin: germline.
Comment: This variant is not present in population databases (gnomAD no frequency). This variant has not been reported in the literature in individuals affected with FBN1-related conditions. Algorithms developed to predict the effect of sequence changes on RNA splicing suggest that this variant may create or strengthen a splice site. In summary, the available evidence is currently insufficient to determine the role of this variant in disease. Therefore, it has been classified as a Variant of Uncertain Significance. This sequence change falls in intron 51 of the FBN1 gene. It does not directly change the encoded amino acid sequence of the FBN1 protein.